The following is an entry in ClinVar:

NM_000094.4(COL7A1):c.8386C>T (p.Gln2796Ter)

Gene: COL7A1 (collagen type VII alpha 1 chain; minus strand). Cytogenetic location: 3p21.31.
Variant type: single nucleotide variant.
Coding change: c.8386C>T on transcript NM_000094.4 (MANE Select); coding-DNA position 8386, C replaced by T.
Protein change: p.Gln2796Ter; replaces glutamine 2796 with a stop codon.
Molecular consequence: nonsense.
Genome position (GRCh38, 1-based): chr3:48,566,288, G>A on the plus strand (C>T on the coding strand, the complement: COL7A1 is on the minus strand). VCF-style: chr3-48566288-G-A. GRCh37 (hg19) VCF-style: chr3-48603721-G-A.
Other names: short protein forms Q2796*.
Identifiers: ClinVar variation 5015714 (VCV005015714.1).
Genomic context (GRCh38, chr3:48,566,288, plus strand): 5'-TGGGGTGGAGTGGGAGACTGCGGGCTGGGCACCACTCACCACAGTGCTGACTCATCTCTT[G>A]GCGCACAAAGCCCCGGATGTCATCCTCCTGGGAGCAGAAGACCACAGGGACCATAAAGAA-3'

ClinVar aggregate classification (germline): Pathogenic (1 of 4 stars; one submission).

Conditions:
Recessive dystrophic epidermolysis bullosa (RDEB). Also called: DYSTROPHIC EPIDERMOLYSIS BULLOSA, AUTOSOMAL RECESSIVE; EPIDERMOLYSIS BULLOSA DYSTROPHICA, HALLOPEAU-SIEMENS TYPE; Hallopeau-Siemens Disease; severe generalized recessive dystrophic epidermolysis bullosa; EPIDERMOLYSIS BULLOSA DYSTROPHICA, GENERALIZED SEVERE, AUTOSOMAL RECESSIVE; Epidermolysis Bullosa Distrophica Autosomal Recessive (RDEB). Identifiers: Orphanet 79408, Orphanet 79409, MedGen C0079474, MONDO:0009179, OMIM 226600.

gnomAD v4.1: 1 of 1,603,282 alleles (0.000062%); highest among the groups gnomAD compares: Non-Finnish European, 0.000085%; no homozygotes.

Submission:

Myriad Genetics, Inc.
Classification: Pathogenic for Recessive dystrophic epidermolysis bullosa. Last evaluated: 2026-03-22. Review status: criteria provided, single submitter. Criteria: Myriad Autosomal Dominant, Autosomal Recessive and X-Linked Classification Criteria (2023). Collection method: clinical testing. Allele origin: unknown.
Comment: NM_000094.3(COL7A1):c.8386C>T(Q2796*) is expected to be pathogenic in the context of dystrophic epidermolysis bullosa. This variant is predicted to lead to an abnormal or absent protein product due to the creation of a premature termination codon in COL7A1, a gene where loss-of-function variants are known to be pathogenic. Please note: this variant was assessed in the context of healthy population screening.